The following is an entry in ClinVar:

NM_001040142.2(SCN2A):c.4606A>G (p.Ser1536Gly)

Gene: SCN2A (sodium voltage-gated channel alpha subunit 2; plus strand). Cytogenetic location: 2q24.3.
Variant type: single nucleotide variant.
Coding change: c.4606A>G on transcript NM_001040142.2 (MANE Select); coding-DNA position 4606, A replaced by G.
Protein change: p.Ser1536Gly; replaces serine 1536 with glycine.
Molecular consequence: missense variant.
Genome position (GRCh38, 1-based): chr2:165,386,800, A>G. VCF-style: chr2-165386800-A-G. GRCh37 (hg19) VCF-style: chr2-166243310-A-G.
Other names: c.4606A>G, p.Ser1536Gly (NM_001040143.2, NM_001371246.1, NM_001371247.1 and 1 more transcripts); short protein forms S1536G.
Identifiers: ClinVar variation 995991 (VCV000995991.2), dbSNP rs1701898006, ClinGen allele CA349036273.

ClinVar aggregate classification (germline): Uncertain significance (1 of 4 stars; one submission).

Conditions:
Developmental and epileptic encephalopathy, 11 (DEE11). Also called: Early infantile epileptic encephalopathy 11. Identifiers: Orphanet 1934, MedGen C3150987, MONDO:0013388, OMIM 613721.

Submission:

Institute of Human Genetics, University of Leipzig Medical Center
Classification: Uncertain significance for Developmental and epileptic encephalopathy, 11. Last evaluated: 2020-11-16. Review status: criteria provided, single submitter. Criteria: ACMG Guidelines, 2015. Collection method: clinical testing. Allele origin: germline. Inheritance: Autosomal dominant inheritance. Affected: yes. Observed: 1 variant allele, 1 heterozygote.
Comment: We identified the variant c.4606A>G, p.Ser1536Gly in the gene SCN2A in heterozygous state. The variant is not yet described in the databases for disease-causing changes (HGMD, ClinVar, DECIPHER) and in the literature. The variant allele was not identified in control chromosomes (gnomAD). The in silico tools we use mostly assess the change as pathogenic. Based on the evidence outlined above, the variant was classified as variant of unknown significance according to the ACMG classification system (Richards et al., 2015, PMID: 25741868). PM2, PP3